The following is an entry in ClinVar:

ClinVar aggregate classification (germline): Uncertain significance (1 of 4 stars; one submission).

Submission:

Labcorp Genetics (formerly Invitae), Labcorp
Classification: Uncertain significance. Last evaluated: 2025-06-12. Review status: criteria provided, single submitter. Criteria: Invitae Variant Classification Sherloc (09022015). Collection method: clinical testing. Allele origin: germline.
Comment: This sequence change replaces lysine, which is basic and polar, with glutamic acid, which is acidic and polar, at codon 976 of the FN1 protein (p.Lys976Glu). This variant is not present in population databases (gnomAD no frequency). This variant has not been reported in the literature in individuals affected with FN1-related conditions. ClinVar contains an entry for this variant (Variation ID: 3664285). An algorithm developed to predict the effect of missense changes on protein structure and function (PolyPhen-2) suggests that this variant is likely to be tolerated. In summary, the available evidence is currently insufficient to determine the role of this variant in disease. Therefore, it has been classified as a Variant of Uncertain Significance.

NM_212482.4(FN1):c.2926A>G (p.Lys976Glu)

Gene: FN1 (fibronectin 1; minus strand). Cytogenetic location: 2q35.
Variant type: single nucleotide variant.
Coding change: c.2926A>G on transcript NM_212482.4 (MANE Select); coding-DNA position 2926, A replaced by G.
Protein change: p.Lys976Glu; replaces lysine 976 with glutamic acid.
Molecular consequence: missense variant.
Genome position (GRCh38, 1-based): chr2:215,406,298, T>C on the plus strand (A>G on the coding strand, the complement: FN1 is on the minus strand). VCF-style: chr2-215406298-T-C. GRCh37 (hg19) VCF-style: chr2-216271021-T-C.
Other names: c.2926A>G, p.Lys976Glu (NM_001306129.2, NM_001306130.2, NM_001306131.2 and 13 more transcripts); short protein forms K976E.
Identifiers: ClinVar variation 3664285 (VCV003664285.2).